The following is an entry in ClinVar:

ClinVar aggregate classification (germline): Pathogenic (1 of 4 stars; one submission).

Conditions:
Neurofibromatosis, type 2 (SWNV). Also called: SCHWANNOMATOSIS, VESTIBULAR; BILATERAL ACOUSTIC NEUROFIBROMATOSIS; NF2-Related Schwannomatosis. Identifiers: Orphanet 637, MedGen C0027832, MONDO:0007039, OMIM 101000. Disease mechanism: loss of function.

Submission:

Labcorp Genetics (formerly Invitae), Labcorp
Classification: Pathogenic for Neurofibromatosis, type 2. Last evaluated: 2022-07-26. Review status: criteria provided, single submitter. Criteria: Invitae Variant Classification Sherloc (09022015). Collection method: clinical testing. Allele origin: germline.
Comment: For these reasons, this variant has been classified as Pathogenic. This variant is also known as deletion at position 488. This premature translational stop signal has been observed in individual(s) with neurofibromatosis, type 2 (PMID: 8755919). This variant is not present in population databases (gnomAD no frequency). This sequence change creates a premature translational stop signal (p.Glu90Aspfs*33) in the NF2 gene. It is expected to result in an absent or disrupted protein product. Loss-of-function variants in NF2 are known to be pathogenic (PMID: 9643284, 16983642).

Literature cited by the submitters: PubMed 8755919; PubMed 9643284; PubMed 16983642.

NM_000268.4(NF2):c.270del (p.Glu90fs)

Gene: NF2 (NF2, moesin-ezrin-radixin like (MERLIN) tumor suppressor; plus strand). Cytogenetic location: 22q12.2.
Variant type: Deletion.
Coding change: c.270del on transcript NM_000268.4 (MANE Select); coding-DNA position 270, one base deleted (A; older notation c.270delA).
Protein change: p.Glu90fs; shifts the reading frame from glutamic acid 90.
Molecular consequence: frameshift variant. On other transcripts: non-coding transcript variant (1), intron variant (3).
Genome position (GRCh38, 1-based): chr22:29,639,119, A deleted; the last of 2 consecutive A bases (chr22:29,639,118-29,639,119); deleting either gives the same sequence. VCF-style (leftmost placement, unchanged base first): chr22-29639117-GA-G. GRCh37 (hg19) VCF-style: chr22-30035106-GA-G.
Other names: c.156delA, p.Glu52Aspfs (NM_001407053.1, NM_001407056.1); c.144delA, p.Glu48Aspfs (NM_001407055.1); c.270delA, p.Glu90Aspfs (NM_001407057.1, NM_001407059.1, NM_001407060.1 and 1 more transcripts); c.-371delA (NM_001407065.1); c.39delA, p.Glu13Aspfs (NM_001407067.1); c.270del, p.Glu90fs (NM_016418.5, NM_181825.3, NM_181832.3 and 1 more transcripts); c.144del, p.Glu48fs (NM_181828.3); c.240+2243del (NM_181829.3); and 1 more; short protein forms E48fs, E90fs.
Identifiers: ClinVar variation 2138429 (VCV002138429.4), dbSNP rs2518436090, ClinGen allele CA2580099501.
Genomic context (GRCh38, chr22:29,639,117, plus strand): 5'-AGTGTGTTTGTCTTTTGCTCTGCAATTCTGCAGGTACTGGATCATGATGTTTCAAAGGAA[GA>G]ACCAGTCACCTTTCACTTCTTGGCCAAATTTTATCCTGAGAATGCTGAAGAGGAGCTGGT-3'